The following is an entry in ClinVar:

ClinVar aggregate classification (somatic clinical impact): Tier II - Potential (1 of 4 stars; one submission).

Conditions:
Rhabdomyosarcoma. Also called: Rhabdomyosarcoma (disease). Identifiers: Orphanet 780, MedGen C0035412, MeSH D012208, MONDO:0005212, HP:0002859.

gnomAD v4.1: 1 of 1,614,178 alleles (0.000062%); highest among the groups gnomAD compares: African/African-American, 0.0013%; no homozygotes.

Submission:

Institute for Genomic Medicine (IGM) Clinical Laboratory, Nationwide Children's Hospital
Classification: Tier II - Potential for Rhabdomyosarcoma. Assertion type: diagnostic. Clinical significance: supports diagnosis. Last evaluated: 2023-07-06. Review status: criteria provided, single submitter. Criteria: AMP/ASCO/CAP Guidelines, 2017. Collection method: clinical testing. Allele origin: somatic. Affected: yes.
Comment: Variant has Tier II (potential) clinical significance as a diagnostic inclusion criterion in rhabdomyosarcoma, based on the following evidence: 1) Documented in one or more cancer databases (e.g., St. Jude Pecan, COSMIC, CIViC, OncoKB). 2) Information in the literature supports potential biologic effect of variant (PMID: 26551668). 3) Assists in diagnosis alone or along with other biomarkers based on small studies or few case reports (Evidence Level D; PMID: 26551668).

Literature cited by the submitters: PubMed 26551668.

NM_005612.5(REST):c.479G>A (p.Arg160His)

Gene: REST (RE1 silencing transcription factor; plus strand). Cytogenetic location: 4q12.
Variant type: single nucleotide variant.
Coding change: c.479G>A on transcript NM_005612.5 (MANE Select); coding-DNA position 479, G replaced by A.
Protein change: p.Arg160His; replaces arginine 160 with histidine.
Molecular consequence: missense variant.
Genome position (GRCh38, 1-based): chr4:56,911,117, G>A. VCF-style: chr4-56911117-G-A. GRCh37 (hg19) VCF-style: chr4-57777283-G-A.
Other names: c.479G>A, p.Arg160His (NM_001193508.2, NM_001363453.3, NM_001440532.1 and 1 more transcripts); short protein forms R160H.
Identifiers: ClinVar variation 4530311 (VCV004530311.1).